The following is an entry in ClinVar:

ClinVar aggregate classification (germline): Conflicting classifications of pathogenicity. Review status: criteria provided, conflicting classifications (1 of 4 stars). 8 submissions from 4 submitters: Uncertain significance (1); Benign (3); Likely benign (4). Last evaluated 2025-07-31.

Conditions:
Hyperkalemic periodic paralysis. Also called: Familial hyperkalemic periodic paralysis; Gamstorp disease. Identifiers: Orphanet 682, MedGen C0238357, MONDO:0008224, OMIM 170500, HP:0007215.
Hypokalemic periodic paralysis, type 2 (HOKPP2). Identifiers: Orphanet 681, MedGen C2750061, MONDO:0013234, OMIM 613345.
Congenital myasthenic syndrome 16. Identifiers: Orphanet 590, MedGen C3280112, MONDO:0013620, OMIM 614198.
Paramyotonia congenita of Von Eulenburg. Also called: Paramyotonia Congenita; Eulenburg disease; Myotonia congenita intermittens; Von Eulenburg paramyotonia congenita; PARALYSIS PERIODICA PARAMYOTONICA. Identifiers: Orphanet 684, MedGen C0221055, MONDO:0008195, OMIM 168300. Disease mechanism: loss of function.
Potassium-aggravated myotonia. Also called: SODIUM CHANNEL MUSCLE DISEASE; MYOTONIA CONGENITA, ACETAZOLAMIDE-RESPONSIVE; MYOTONIA CONGENITA, ATYPICAL; Myotonia congenita, atypical, acetazolamide-responsive. Identifiers: Orphanet 612, Orphanet 99734, Orphanet 99735, Orphanet 99736, MedGen C2931826, MONDO:0018959, OMIM 608390.

Allele frequency attached by ClinVar (database versions not stated): TOPMed 0.00012.
gnomAD v4.1: 160 of 1,503,856 alleles (0.011%); highest among the groups gnomAD compares: Admixed American, 0.017%; no homozygotes.

Submissions (8):

Labcorp Genetics (formerly Invitae), Labcorp
Classification: Likely benign for Hyperkalemic periodic paralysis. Last evaluated: 2025-07-31. Review status: criteria provided, single submitter. Criteria: Invitae Variant Classification Sherloc (09022015). Collection method: clinical testing. Allele origin: germline.

Athena Diagnostics
Classification: Benign. Last evaluated: 2018-05-23. Review status: criteria provided, single submitter. Criteria: Athena Diagnostics Criteria. Collection method: clinical testing. Allele origin: germline.

Illumina Laboratory Services, Illumina
Classification: Benign for Potassium-aggravated myotonia. Last evaluated: 2018-01-12. Review status: criteria provided, single submitter. Criteria: ICSL Variant Classification Criteria 13 December 2019. Collection method: clinical testing. Allele origin: germline.
Comment: This variant was observed in the ICSL laboratory as part of a predisposition screen in an ostensibly healthy population. It had not been previously curated by ICSL or reported in the Human Gene Mutation Database (HGMD: prior to June 1st, 2018), and was therefore a candidate for classification through an automated scoring system. Utilizing variant allele frequency, disease prevalence and penetrance estimates, and inheritance mode, an automated score was calculated to assess if this variant is too frequent to cause the disease. Based on the score and internal cut-off values, a variant classified as benign is not then subjected to further curation. The score for this variant resulted in a classification of benign for this disease.

Illumina Laboratory Services, Illumina
Classification: Uncertain significance for Congenital myasthenic syndrome 16. Last evaluated: 2018-01-12. Review status: criteria provided, single submitter. Criteria: ICSL Variant Classification Criteria 13 December 2019. Collection method: clinical testing. Allele origin: germline.

Illumina Laboratory Services, Illumina
Classification: Likely benign for Hypokalemic periodic paralysis, type 2. Last evaluated: 2018-01-12. Review status: criteria provided, single submitter. Criteria: ICSL Variant Classification Criteria 13 December 2019. Collection method: clinical testing. Allele origin: germline.
Comment: This variant was observed in the ICSL laboratory as part of a predisposition screen in an ostensibly healthy population. It had not been previously curated by ICSL or reported in the Human Gene Mutation Database (HGMD: prior to June 1st, 2018), and was therefore a candidate for classification through an automated scoring system. Utilizing variant allele frequency, disease prevalence and penetrance estimates, and inheritance mode, an automated score was calculated to assess if this variant is too frequent to cause the disease. Based on the score and internal cut-off values, a variant classified as likely benign is not then subjected to further curation. The score for this variant resulted in a classification of likely benign for this disease.

Illumina Laboratory Services, Illumina
Classification: Likely benign for Paramyotonia congenita of Von Eulenburg. Last evaluated: 2018-01-12. Review status: criteria provided, single submitter. Criteria: ICSL Variant Classification Criteria 13 December 2019. Collection method: clinical testing. Allele origin: germline.
Comment: the same text as in the submission from Illumina Laboratory Services, Illumina above.

Illumina Laboratory Services, Illumina
Classification: Benign for Hyperkalemic periodic paralysis. Last evaluated: 2018-01-12. Review status: criteria provided, single submitter. Criteria: ICSL Variant Classification Criteria 13 December 2019. Collection method: clinical testing. Allele origin: germline.
Comment: the same text as in the submission from Illumina Laboratory Services, Illumina above.

PreventionGenetics, part of Exact Sciences
Classification: Likely benign. Review status: criteria provided, single submitter. Criteria: ACMG Guidelines, 2015. Collection method: clinical testing. Allele origin: germline.

NM_000334.4(SCN4A):c.483-9C>A

Gene: SCN4A (sodium voltage-gated channel alpha subunit 4; minus strand). Cytogenetic location: 17q23.3.
Variant type: single nucleotide variant.
Coding change: c.483-9C>A on transcript NM_000334.4 (MANE Select); 9 bases into the intron before coding-DNA position 483, C replaced by A.
Molecular consequence: intron variant.
Genome position (GRCh38, 1-based): chr17:63,971,859, G>T on the plus strand (C>A on the coding strand, the complement: SCN4A is on the minus strand). VCF-style: chr17-63971859-G-T. GRCh37 (hg19) VCF-style: chr17-62049219-G-T.
Identifiers: ClinVar variation 255857 (VCV000255857.18), dbSNP rs201552497, ClinGen allele CA8710143.